The following is an entry in ClinVar:

ClinVar aggregate classification (germline): Pathogenic (1 of 4 stars; one submission).

Conditions:
Nemaline myopathy 2 (NEM2). Also called: Nemaline myopathy 2, autosomal recessive. Identifiers: MedGen C1850569, MONDO:0009725, OMIM 256030.

Submission:

Labcorp Genetics (formerly Invitae), Labcorp
Classification: Pathogenic for Nemaline myopathy 2. Last evaluated: 2023-02-14. Review status: criteria provided, single submitter. Criteria: Invitae Variant Classification Sherloc (09022015). Collection method: clinical testing. Allele origin: germline.
Comment: This sequence change creates a premature translational stop signal (p.Gln8161*) in the NEB gene. It is expected to result in an absent or disrupted protein product. Loss-of-function variants in NEB are known to be pathogenic (PMID: 25205138). This variant is not present in population databases (gnomAD no frequency). This variant has not been reported in the literature in individuals affected with NEB-related conditions. Algorithms developed to predict the effect of sequence changes on RNA splicing suggest that this variant may disrupt the consensus splice site. For these reasons, this variant has been classified as Pathogenic.

Literature cited by the submitters: PubMed 25205138.

NM_001164508.2(NEB):c.24376C>T (p.Gln8126Ter)

Genes: NEB (nebulin; minus strand), RIF1 (replication timing regulatory factor 1; plus strand). Cytogenetic location: 2q23.3.
Variant type: single nucleotide variant.
Coding change: c.24376C>T on transcript NM_001164508.2 (MANE Select); coding-DNA position 24376, C replaced by T.
Protein change: p.Gln8126Ter; replaces glutamine 8126 with a stop codon.
Molecular consequence: nonsense. On other transcripts: intron variant (1).
Genome position (GRCh38, 1-based): chr2:151,496,958, G>A on the plus strand (C>T on the coding strand, the complement: NEB is on the minus strand). VCF-style: chr2-151496958-G-A. GRCh37 (hg19) VCF-style: chr2-152353472-G-A.
Other names: c.24376C>T, p.Gln8126Ter (NM_001164507.2); c.24481C>T, p.Gln8161Ter (NM_001271208.2); c.18826-590C>T (NM_004543.5); short protein forms Q8126*, Q8161*.
Identifiers: ClinVar variation 2837064 (VCV002837064.3), dbSNP rs2551841547, ClinGen allele CA348778494.
Genomic context (GRCh38, chr2:151,496,958, plus strand): 5'-TTTAAAATCAGTAAGTAGTTTTTTTCTTTTCTTGCCCAAGTACCGAGCTAATATTTTCTT[G>A]ATTGTGTTTGACTCTCTCCATCTCAGGAGTGACAGGTAGAGGGGTTCCCTTGCCCATGTT-3'